The following is an entry in ClinVar:

ClinVar aggregate classification (germline): Pathogenic/Likely pathogenic. Review status: criteria provided, multiple submitters, no conflicts (2 of 4 stars). 2 submissions from 2 submitters: Pathogenic (1); Likely pathogenic (1). Last evaluated 2025-04-01.

Conditions:
Leber congenital amaurosis (LCA). Also called: Leber's amaurosis. Identifiers: Orphanet 65, MedGen C0339527, MeSH D057130, MONDO:0018998.

Submissions (2):

CeGaT Center for Human Genetics Tuebingen
Classification: Pathogenic. Last evaluated: 2025-04-01. Review status: criteria provided, single submitter. Criteria: CeGaT Center For Human Genetics Tuebingen Variant Classification Criteria Version 2. Collection method: clinical testing. Allele origin: germline. Affected: yes. Observed: 3 variant alleles.
Comment: CEP290: PVS1, PM2, PM3

Natera, Inc.
Classification: Likely pathogenic for Leber congenital amaurosis. Last evaluated: 2024-07-02. Review status: criteria provided, single submitter. Criteria: Natera Variant Classification Schema (03/2026). Collection method: clinical testing. Allele origin: germline.
Comment: The c.2387_2392delinsTCTTC variant in CEP290 is a frameshift variant predicted to shift the reading frame beginning at codon 796 and leads to a stop codon 3 codons downstream. This variant is expected to result in nonsense mediated decay, truncation, or a dysfunctional protein product. This variant is rare in the general population with a frequency below the threshold expected for the associated phenotype(s). Given the available evidence, this variant is classified as Likely Pathogenic.

NM_025114.4(CEP290):c.2387_2392delinsTCTTC (p.Lys796fs)

Gene: CEP290 (centrosomal protein 290; minus strand). Cytogenetic location: 12q21.32.
Variant type: Indel.
Coding change: c.2387_2392delinsTCTTC on transcript NM_025114.4 (MANE Select); coding-DNA positions 2387 to 2392, AAAAGT replaced by TCTTC.
Protein change: p.Lys796fs; shifts the reading frame from lysine 796.
Molecular consequence: frameshift variant.
Genome position (GRCh38, 1-based): chr12:88,109,157-88,109,162, ACTTTT replaced by GAAGA on the plus strand (AAAAGT replaced by TCTTC on the coding strand, the reverse complement: CEP290 is on the minus strand). VCF-style: chr12-88109157-ACTTTT-GAAGA. GRCh37 (hg19) VCF-style: chr12-88502934-ACTTTT-GAAGA.
Other names: c.2387_2392delinsTCTTC (NM_025114.3); short protein forms K796fs.
Identifiers: ClinVar variation 3234830 (VCV003234830.21), dbSNP rs2500684184, ClinGen allele CA2825002097.